The following is an entry in ClinVar:

ClinVar aggregate classification (germline): Uncertain significance (1 of 4 stars; one submission).

gnomAD v4.1: 104 of 1,550,060 alleles (0.0067%); highest among the groups gnomAD compares: Non-Finnish European, 0.0087%; no homozygotes.

Submission:

CeGaT Center for Human Genetics Tuebingen
Classification: Uncertain significance. Last evaluated: 2025-08-01. Review status: criteria provided, single submitter. Criteria: CeGaT Center For Human Genetics Tuebingen Variant Classification Criteria Version 2. Collection method: clinical testing. Allele origin: germline. Affected: yes. Observed: 1 variant allele.
Comment: COL18A1: PM2, PP3

NM_001379500.1(COL18A1):c.107-11873C>A

Gene: COL18A1 (collagen type XVIII alpha 1 chain; plus strand). Cytogenetic location: 21q22.3.
Variant type: single nucleotide variant.
Coding change: c.107-11873C>A on transcript NM_001379500.1 (MANE Select); 11873 bases into the intron before coding-DNA position 107, C replaced by A.
Molecular consequence: intron variant. On other transcripts: missense variant (1).
Genome position (GRCh38, 1-based): chr21:45,456,369, C>A. VCF-style: chr21-45456369-C-A. GRCh37 (hg19) VCF-style: chr21-46876283-C-A.
Other names: c.839C>A, p.Ala280Asp (NM_130444.3); c.646+193C>A (NM_030582.4); short protein forms A280D.
Identifiers: ClinVar variation 4084373 (VCV004084373.8).